The following is an entry in ClinVar:

ClinVar aggregate classification (germline): Uncertain significance (1 of 4 stars; one submission).

Submission:

ISCA site 17
Classification: Uncertain significance. Last evaluated: 2011-08-12. Review status: criteria provided, single submitter. Criteria: Kaminsky et al. (Genet Med. 2011). Collection method: clinical testing. Allele origin: paternal. Affected: yes. Observed: 1 variant allele.
Comment: Copy number variation identified through the course of routine clinical cytogenomic testing in postnatal populations. Clinical assertions have been curated as described in Kaminsky et al. 2011.

GRCh38/hg38 18q22.3(chr18:72267740-73676450)x3

Genes: CBLN2 (cerebellin 2 precursor; minus strand), LINC02582 (long intergenic non-protein coding RNA 2582; plus strand), LINC02864 (long intergenic non-protein coding RNA 2864; minus strand), MIR548AV (microRNA 548av; minus strand), NETO1 (neuropilin and tolloid like 1; minus strand) and 11 more. Cytogenetic location: 18q22.3.
Variant type: copy number gain.
Change: copy number 3 (three copies instead of two) of chr18:72,267,740-73,676,450 (1.41 Mb, GRCh38 coordinates, 1-based), cytogenetic band 18q22.3.
Identifiers: ClinVar variation 60228 (VCV000060228.1).